The following is an entry in ClinVar:

ClinVar aggregate classification (germline): Uncertain significance (1 of 4 stars; one submission).

gnomAD v4.1: 9 of 1,612,672 alleles (0.00056%); highest among the groups gnomAD compares: Non-Finnish European, 0.00068%; no homozygotes.

Submission:

CeGaT Center for Human Genetics Tuebingen
Classification: Uncertain significance. Last evaluated: 2026-06-01. Review status: criteria provided, single submitter. Criteria: CeGaT Center For Human Genetics Tuebingen Variant Classification Criteria Version 2. Collection method: clinical testing. Allele origin: germline. Affected: yes. Observed: 1 variant allele.
Comment: ANO3: PM2, PP3

NM_031418.4(ANO3):c.1032G>C (p.Glu344Asp)

Gene: ANO3 (anoctamin 3; plus strand). Cytogenetic location: 11p14.2.
Variant type: single nucleotide variant.
Coding change: c.1032G>C on transcript NM_031418.4 (MANE Select); coding-DNA position 1032, G replaced by C.
Protein change: p.Glu344Asp; replaces glutamic acid 344 with aspartic acid.
Molecular consequence: missense variant.
Genome position (GRCh38, 1-based): chr11:26,537,461, G>C. VCF-style: chr11-26537461-G-C. GRCh37 (hg19) VCF-style: chr11-26559008-G-C.
Other names: c.1215G>C, p.Glu405Asp (NM_001313726.2); c.594G>C, p.Glu198Asp (NM_001313727.2); short protein forms E198D, E344D, E405D.
Identifiers: ClinVar variation 4873750 (VCV004873750.2).